The following is an entry in ClinVar:

ClinVar aggregate classification (germline): Benign/Likely benign. Review status: criteria provided, multiple submitters, no conflicts (2 of 4 stars). 2 submissions from 2 submitters: Benign (1); Likely benign (1). Last evaluated 2018-07-07.

Conditions:
Autosomal dominant nocturnal frontal lobe epilepsy 4. Also called: EPILEPSY, FAMILIAL, WITH NOCTURNAL WANDERING AND ICTAL FEAR; CHRNA2-Related Nocturnal Frontal Lobe Epilepsy, Autosomal Dominant. Identifiers: Orphanet 98784, MedGen C1835905, MONDO:0012474, OMIM 610353.

Allele frequency attached by ClinVar (database versions not stated): gnomAD exomes 0.00035; 1000 Genomes Project 0.00339; gnomAD 0.00384 and 0.00421; 1000 Genomes Project 30x 0.00422; TOPMed 0.00446.

Submissions (2):

GeneDx
Classification: Likely benign. Last evaluated: 2018-07-07. Review status: criteria provided, single submitter. Criteria: GeneDx Variant Classification Process June 2021. Collection method: clinical testing. Allele origin: germline. Affected: yes.

Illumina Laboratory Services, Illumina
Classification: Benign for Autosomal dominant nocturnal frontal lobe epilepsy 4. Last evaluated: 2018-01-13. Review status: criteria provided, single submitter. Criteria: ICSL Variant Classification Criteria 13 December 2019. Collection method: clinical testing. Allele origin: germline.
Comment: This variant was observed in the ICSL laboratory as part of a predisposition screen in an ostensibly healthy population. It had not been previously curated by ICSL or reported in the Human Gene Mutation Database (HGMD: prior to June 1st, 2018), and was therefore a candidate for classification through an automated scoring system. Utilizing variant allele frequency, disease prevalence and penetrance estimates, and inheritance mode, an automated score was calculated to assess if this variant is too frequent to cause the disease. Based on the score and internal cut-off values, a variant classified as benign is not then subjected to further curation. The score for this variant resulted in a classification of benign for this disease.

NM_000742.4(CHRNA2):c.*108C>T

Gene: CHRNA2 (cholinergic receptor nicotinic alpha 2 subunit; minus strand). Cytogenetic location: 8p21.2.
Variant type: single nucleotide variant.
Coding change: c.*108C>T on transcript NM_000742.4 (MANE Select); 108 bases downstream of the stop codon, C replaced by T.
Molecular consequence: 3 prime UTR variant.
Genome position (GRCh38, 1-based): chr8:27,461,521, G>A on the plus strand (C>T on the coding strand, the complement: CHRNA2 is on the minus strand). VCF-style: chr8-27461521-G-A. GRCh37 (hg19) VCF-style: chr8-27319038-G-A.
Other names: c.*108C>T (NM_001282455.2, NM_001347705.2, NM_001347706.2 and 2 more transcripts).
Identifiers: ClinVar variation 362691 (VCV000362691.8), dbSNP rs147882344, ClinGen allele CA10627571.